The following is an entry in ClinVar:

NM_015047.3(EMC1):c.2732A>G (p.Asn911Ser)

Genes: EMC1 (ER membrane protein complex subunit 1; minus strand), EMC1-AS1 (EMC1 antisense RNA 1; plus strand). Cytogenetic location: 1p36.13.
Variant type: single nucleotide variant.
Coding change: c.2732A>G on transcript NM_015047.3 (MANE Select); coding-DNA position 2732, A replaced by G.
Protein change: p.Asn911Ser; replaces asparagine 911 with serine.
Molecular consequence: missense variant.
Genome position (GRCh38, 1-based): chr1:19,219,639, T>C on the plus strand (A>G on the coding strand, the complement: EMC1 is on the minus strand). VCF-style: chr1-19219639-T-C. GRCh37 (hg19) VCF-style: chr1-19546133-T-C.
Other names: c.2729A>G, p.Asn910Ser (NM_001271427.2, NM_001271428.2); c.2666A>G, p.Asn889Ser (NM_001271429.2); c.2741A>G, p.Asn914Ser (NM_001375820.1); c.2738A>G, p.Asn913Ser (NM_001375821.1); short protein forms N913S, N914S, N889S, N910S, N911S.
Identifiers: ClinVar variation 2865255 (VCV002865255.3), dbSNP rs2093416273, ClinGen allele CA338750070.
Genomic context (GRCh38, chr1:19,219,639, plus strand): 5'-GACTCCAGACCCGAGGGAGCTGTGTAGATACCTCGCATTCGAGAAACTGTCTGGTTATAG[T>C]TGATGAATCGCTCTGCGTGTATCTGTACATCTGGAGAATACGGGATTAAGTTCTCCTCTC-3'
Protein context (NP_055862.1, residues 901-921): DVQIHAERFI[Asn911Ser]YNQTVSRMRG

ClinVar aggregate classification (germline): Uncertain significance (1 of 4 stars; one submission).

Allele frequency attached by ClinVar (database versions not stated): gnomAD exomes below 0.00001; TOPMed below 0.00001.
gnomAD v4.1: 1 of 1,614,108 alleles (0.000062%); highest among the groups gnomAD compares: Non-Finnish European, 0.000085%; no homozygotes.

Submission:

Labcorp Genetics (formerly Invitae), Labcorp
Classification: Uncertain significance. Last evaluated: 2023-09-29. Review status: criteria provided, single submitter. Criteria: Invitae Variant Classification Sherloc (09022015). Collection method: clinical testing. Allele origin: germline.
Comment: This variant is not present in population databases (gnomAD no frequency). In summary, the available evidence is currently insufficient to determine the role of this variant in disease. Therefore, it has been classified as a Variant of Uncertain Significance. Advanced modeling of protein sequence and biophysical properties (such as structural, functional, and spatial information, amino acid conservation, physicochemical variation, residue mobility, and thermodynamic stability) performed at Invitae indicates that this missense variant is not expected to disrupt EMC1 protein function. This variant has not been reported in the literature in individuals affected with EMC1-related conditions. This sequence change replaces asparagine, which is neutral and polar, with serine, which is neutral and polar, at codon 911 of the EMC1 protein (p.Asn911Ser).